The following is an entry in ClinVar:

ClinVar aggregate classification (germline): Uncertain significance (1 of 4 stars; one submission).

Conditions:
Chédiak-Higashi syndrome (CHS). Also called: Chediak-Higashi Syndrome. Identifiers: Orphanet 167, MedGen C0007965, MONDO:0008963, OMIM 214500.

Submission:

Labcorp Genetics (formerly Invitae), Labcorp
Classification: Uncertain significance for Chédiak-Higashi syndrome. Last evaluated: 2022-01-11. Review status: criteria provided, single submitter. Criteria: Invitae Variant Classification Sherloc (09022015). Collection method: clinical testing. Allele origin: germline.
Comment: This variant has not been reported in the literature in individuals affected with LYST-related conditions. In summary, the available evidence is currently insufficient to determine the role of this variant in disease. Therefore, it has been classified as a Variant of Uncertain Significance. Algorithms developed to predict the effect of missense changes on protein structure and function are either unavailable or do not agree on the potential impact of this missense change (SIFT: "Deleterious"; PolyPhen-2: "Benign"; Align-GVGD: "Class C0"). This variant is not present in population databases (gnomAD no frequency). This sequence change replaces tyrosine, which is neutral and polar, with phenylalanine, which is neutral and non-polar, at codon 875 of the LYST protein (p.Tyr875Phe).

NM_000081.4(LYST):c.2624A>T (p.Tyr875Phe)

Gene: LYST (lysosomal trafficking regulator; minus strand). Cytogenetic location: 1q42.3.
Variant type: single nucleotide variant.
Coding change: c.2624A>T on transcript NM_000081.4 (MANE Select); coding-DNA position 2624, A replaced by T.
Protein change: p.Tyr875Phe; replaces tyrosine 875 with phenylalanine.
Molecular consequence: missense variant.
Genome position (GRCh38, 1-based): chr1:235,806,512, T>A on the plus strand (A>T on the coding strand, the complement: LYST is on the minus strand). VCF-style: chr1-235806512-T-A. GRCh37 (hg19) VCF-style: chr1-235969812-T-A.
Other names: c.2624A>T, p.Tyr875Phe (NM_001301365.1); short protein forms Y875F.
Identifiers: ClinVar variation 2057889 (VCV002057889.4), dbSNP rs767893165, ClinGen allele CA344956265.